The following is an entry in ClinVar:

NM_003047.5(SLC9A1):c.2070_2071delinsTT (p.Lys690Asn)

Gene: SLC9A1 (solute carrier family 9 member A1; minus strand). Cytogenetic location: 1p36.11.
Variant type: Indel.
Coding change: c.2070_2071delinsTT on transcript NM_003047.5 (MANE Select); coding-DNA positions 2070 to 2071, GC replaced by TT.
Protein change: p.Lys690Asn; replaces lysine 690 with asparagine.
Molecular consequence: missense variant. On other transcripts: non-coding transcript variant (1).
Genome position (GRCh38, 1-based): chr1:27,101,242-27,101,243, GC replaced by AA on the plus strand (GC replaced by TT on the coding strand, the reverse complement: SLC9A1 is on the minus strand). VCF-style: chr1-27101242-GC-AA. GRCh37 (hg19) VCF-style: chr1-27427733-GC-AA.
Other names: short protein forms K690N.
Identifiers: ClinVar variation 1929562 (VCV001929562.5), dbSNP rs2523099429, ClinGen allele CA2580062659.

ClinVar aggregate classification (germline): Uncertain significance (1 of 4 stars; one submission).

Submission:

Labcorp Genetics (formerly Invitae), Labcorp
Classification: Uncertain significance. Last evaluated: 2022-02-17. Review status: criteria provided, single submitter. Criteria: Invitae Variant Classification Sherloc (09022015). Collection method: clinical testing. Allele origin: germline.
Comment: Experimental studies and prediction algorithms are not available or were not evaluated, and the functional significance of this variant is currently unknown. This variant has not been reported in the literature in individuals affected with SLC9A1-related conditions. Information on the frequency of this variant in the gnomAD database is not available, as this variant may be reported differently in the database. This sequence change replaces lysine, which is basic and polar, with asparagine, which is neutral and polar, at codon 690 of the SLC9A1 protein (p.Lys690Asn). In summary, the available evidence is currently insufficient to determine the role of this variant in disease. Therefore, it has been classified as a Variant of Uncertain Significance.